The following is an entry in ClinVar:

ClinVar aggregate classification (germline): Uncertain significance (1 of 4 stars; one submission).

gnomAD v4.1: 2 of 1,614,206 alleles (0.00012%); highest among the groups gnomAD compares: Non-Finnish European, 0.000085%; no homozygotes.

Submission:

Ambry Genetics
Classification: Uncertain significance. Last evaluated: 2024-12-21. Review status: criteria provided, single submitter. Criteria: Ambry Variant Classification Scheme 2023. Collection method: clinical testing. Allele origin: germline.
Comment: The p.T497I variant (also known as c.1490C>T), located in coding exon 1 of the TET2 gene, results from a C to T substitution at nucleotide position 1490. The threonine at codon 497 is replaced by isoleucine, an amino acid with similar properties. This amino acid position is conserved. In addition, this alteration is predicted to be tolerated by in silico analysis. Based on the available evidence, the clinical significance of this variant remains unclear.

NM_001127208.3(TET2):c.1490C>T (p.Thr497Ile)

Genes: TET2 (tet methylcytosine dioxygenase 2; plus strand), TET2-AS1 (TET2 antisense RNA 1; minus strand). Cytogenetic location: 4q24.
Variant type: single nucleotide variant.
Coding change: c.1490C>T on transcript NM_001127208.3 (MANE Select); coding-DNA position 1490, C replaced by T.
Protein change: p.Thr497Ile; replaces threonine 497 with isoleucine.
Molecular consequence: missense variant.
Genome position (GRCh38, 1-based): chr4:105,235,432, C>T. VCF-style: chr4-105235432-C-T. GRCh37 (hg19) VCF-style: chr4-106156589-C-T.
Other names: c.1490C>T, p.Thr497Ile (NM_017628.4); short protein forms T497I.
Identifiers: ClinVar variation 3805888 (VCV003805888.1).